The following is an entry in ClinVar:

ClinVar aggregate classification (germline): Conflicting classifications of pathogenicity. Review status: criteria provided, conflicting classifications (1 of 4 stars). 2 submissions from 2 submitters: Uncertain significance (1); Likely benign (1). Last evaluated 2025-08-23.

gnomAD v4.1: 14 of 1,359,586 alleles (0.001%); highest among the groups gnomAD compares: Non-Finnish European, 0.0013%; no homozygotes.

Submissions (2):

Labcorp Genetics (formerly Invitae), Labcorp
Classification: Uncertain significance. Last evaluated: 2025-08-23. Review status: criteria provided, single submitter. Criteria: Invitae Variant Classification Sherloc (09022015). Collection method: clinical testing. Allele origin: germline.
Comment: This sequence change replaces histidine, which is basic and polar, with arginine, which is basic and polar, at codon 213 of the CDK13 protein (p.His213Arg). This variant is present in population databases (no rsID available, gnomAD 0.03%). This variant has not been reported in the literature in individuals affected with CDK13-related conditions. ClinVar contains an entry for this variant (Variation ID: 3910596). Invitae Evidence Modeling of protein sequence and biophysical properties (such as structural, functional, and spatial information, amino acid conservation, physicochemical variation, residue mobility, and thermodynamic stability) indicates that this missense variant is not expected to disrupt CDK13 protein function with a negative predictive value of 95%. In summary, the available evidence is currently insufficient to determine the role of this variant in disease. Therefore, it has been classified as a Variant of Uncertain Significance.

Laboratory of Genetics, Children's Clinical University Hospital Latvia
Classification: Likely benign. Last evaluated: 2025-02-16. Review status: criteria provided, single submitter. Criteria: ACMG Guidelines, 2015. Collection method: clinical testing. Allele origin: germline. Affected: yes.

NM_003718.5(CDK13):c.638A>G (p.His213Arg)

Gene: CDK13 (cyclin dependent kinase 13; plus strand). Cytogenetic location: 7p14.1.
Variant type: single nucleotide variant.
Coding change: c.638A>G on transcript NM_003718.5 (MANE Select); coding-DNA position 638, A replaced by G.
Protein change: p.His213Arg; replaces histidine 213 with arginine.
Molecular consequence: missense variant.
Genome position (GRCh38, 1-based): chr7:39,951,279, A>G. VCF-style: chr7-39951279-A-G. GRCh37 (hg19) VCF-style: chr7-39990878-A-G.
Other names: c.638A>G, p.His213Arg (NM_031267.4); short protein forms H213R.
Identifiers: ClinVar variation 3910596 (VCV003910596.2).